The following is an entry in ClinVar:

NM_014727.3(KMT2B):c.115G>T (p.Gly39Trp)

Gene: KMT2B (lysine methyltransferase 2B; plus strand). Cytogenetic location: 19q13.12.
Variant type: single nucleotide variant.
Coding change: c.115G>T on transcript NM_014727.3 (MANE Select); coding-DNA position 115, G replaced by T.
Protein change: p.Gly39Trp; replaces glycine 39 with tryptophan.
Molecular consequence: missense variant.
Genome position (GRCh38, 1-based): chr19:35,718,133, G>T. VCF-style: chr19-35718133-G-T. GRCh37 (hg19) VCF-style: chr19-36209035-G-T.
Other names: short protein forms G39W.
Identifiers: ClinVar variation 4686484 (VCV004686484.1).

ClinVar aggregate classification (germline): Uncertain significance (1 of 4 stars; one submission).

Submission:

GeneDx
Classification: Uncertain significance. Last evaluated: 2025-07-16. Review status: criteria provided, single submitter. Criteria: GeneDx Variant Classification Process June 2021. Collection method: clinical testing. Allele origin: germline. Affected: yes.
Comment: Not observed at significant frequency in large population cohorts (gnomAD); In silico analysis suggests that this missense variant does not alter protein structure/function; Has not been previously published as pathogenic or benign to our knowledge